The following is an entry in ClinVar:

NM_001256012.3(MYH10):c.1A>G (p.Met1Val)

Gene: MYH10 (myosin heavy chain 10; minus strand). Cytogenetic location: 17p13.1.
Variant type: single nucleotide variant.
Coding change: c.1A>G on transcript NM_001256012.3 (MANE Select); coding-DNA position 1, A replaced by G.
Protein change: p.Met1Val; changes the start codon (methionine 1).
Molecular consequence: missense variant, initiator codon variant.
Genome position (GRCh38, 1-based): chr17:8,623,246, T>C on the plus strand (A>G on the coding strand, the complement: MYH10 is on the minus strand). VCF-style: chr17-8623246-T-C. GRCh37 (hg19) VCF-style: chr17-8526564-T-C.
Other names: c.1A>G, p.Met1Val (NM_001256095.2, NM_001375266.1, NM_005964.5); short protein forms M1V.
Identifiers: ClinVar variation 4975344 (VCV004975344.1).

ClinVar aggregate classification (germline): Uncertain significance (1 of 4 stars; one submission).

Submission:

GeneDx
Classification: Uncertain significance. Last evaluated: 2026-01-22. Review status: criteria provided, single submitter. Criteria: GeneDx Variant Classification Process June 2021. Collection method: clinical testing. Allele origin: germline.
Comment: Not observed at significant frequency in large population cohorts (gnomAD); Initiation codon variant predicted to alter the protein; however, a downstream in-frame Methionine residue could serve as an alternate initiator codon; Has not been previously published as pathogenic or benign to our knowledge